The following is an entry in ClinVar:

NM_022552.5(DNMT3A):c.1778_1793del (p.Gly593fs)

Gene: DNMT3A (DNA methyltransferase 3 alpha; minus strand). Cytogenetic location: 2p23.3.
Variant type: Deletion.
Coding change: c.1778_1793del on transcript NM_022552.5 (MANE Select); coding-DNA positions 1778 to 1793, 16 bases deleted (GGCTGCTGCGGCGGCG).
Protein change: p.Gly593fs; shifts the reading frame from glycine 593.
Molecular consequence: frameshift variant. On other transcripts: non-coding transcript variant (1).
Genome position (GRCh38, 1-based): chr2:25,244,213-25,244,228, CGCCGCCGCAGCAGCC deleted on the plus strand (GGCTGCTGCGGCGGCG on the coding strand, the reverse complement: DNMT3A is on the minus strand); deleting any 16 consecutive bases within chr2:25,244,213-25,244,230 gives the same sequence; the c. name uses the placement nearest the transcript's 3' end. VCF-style (leftmost placement, unchanged base first): chr2-25244212-TCGCCGCCGCAGCAGCC-T. GRCh37 (hg19) VCF-style: chr2-25467081-TCGCCGCCGCAGCAGCC-T.
Other names: c.1322_1337del, p.Gly441fs (NM_001320893.1); c.1109_1124del, p.Gly370fs (NM_001375819.1); c.1211_1226del, p.Gly404fs (NM_153759.3); c.1778_1793del, p.Gly593fs (NM_175629.2); short protein forms G370fs, G404fs, G441fs, G593fs.
Identifiers: ClinVar variation 3726272 (VCV003726272.3).

ClinVar aggregate classification (germline): Pathogenic (1 of 4 stars; one submission).

Conditions:
Tatton-Brown-Rahman overgrowth syndrome. Also called: Tatton-Brown-Rahman syndrome; Tall stature-intellectual disability-facial dysmorphism syndrome. Identifiers: Orphanet 404443, MedGen C4014545, MONDO:0014382, OMIM 615879.

Submission:

Labcorp Genetics (formerly Invitae), Labcorp
Classification: Pathogenic for Tatton-Brown-Rahman overgrowth syndrome. Last evaluated: 2024-11-27. Review status: criteria provided, single submitter. Criteria: Invitae Variant Classification Sherloc (09022015). Collection method: clinical testing. Allele origin: germline.
Comment: This sequence change creates a premature translational stop signal (p.Gly593Glufs*53) in the DNMT3A gene. It is expected to result in an absent or disrupted protein product. Loss-of-function variants in DNMT3A are known to be pathogenic (PMID: 24614070). This variant is not present in population databases (gnomAD no frequency). This variant has not been reported in the literature in individuals affected with DNMT3A-related conditions. For these reasons, this variant has been classified as Pathogenic.

Literature cited by the submitters: PubMed 24614070 (cited by Labcorp Genetics (formerly Invitae), Labcorp).